The following is an entry in ClinVar:

NM_001378615.1(CC2D2A):c.3943A>T (p.Asn1315Tyr)

Genes: CC2D2A (coiled-coil and C2 domain containing 2A; plus strand), FBXL5 (F-box and leucine rich repeat protein 5; minus strand). Cytogenetic location: 4p15.32.
Variant type: single nucleotide variant.
Coding change: c.3943A>T on transcript NM_001378615.1 (MANE Select); coding-DNA position 3943, A replaced by T.
Protein change: p.Asn1315Tyr; replaces asparagine 1315 with tyrosine.
Molecular consequence: missense variant.
Genome position (GRCh38, 1-based): chr4:15,580,139, A>T. VCF-style: chr4-15580139-A-T. GRCh37 (hg19) VCF-style: chr4-15581762-A-T.
Other names: c.3943A>T, p.Asn1315Tyr (NM_001080522.2); c.3796A>T, p.Asn1266Tyr (NM_001378617.1); short protein forms N1315Y, N1266Y.
Identifiers: ClinVar variation 2143867 (VCV002143867.3), dbSNP rs1297986816, ClinGen allele CA356426600.

ClinVar aggregate classification (germline): Uncertain significance. Review status: criteria provided, multiple submitters, no conflicts (2 of 4 stars). 2 submissions from 2 submitters: Uncertain significance (2). Last evaluated 2025-09-10.

Conditions:
Inborn genetic diseases. Identifiers: MedGen C0950123, MeSH D030342.
Joubert syndrome. Also called: JOUBERT-BOLTSHAUSER SYNDROME; Familial aplasia of the vermis. Identifiers: Orphanet 475, MedGen C5979921, MONDO:0018772.
Meckel-Gruber syndrome. Also called: DYSENCEPHALIA SPLANCHNOCYSTICA; GRUBER SYNDROME; Dysencephalia splachnocystica. Identifiers: Orphanet 564, MedGen C0265215, MONDO:0018921.

Allele frequency attached by ClinVar (database versions not stated): gnomAD exomes below 0.00001; gnomAD 0.00001; TOPMed 0.00003.
gnomAD v4.1: 5 of 1,613,784 alleles (0.00031%); highest among the groups gnomAD compares: Admixed American, 0.005%; no homozygotes.

Submissions (2):

Ambry Genetics
Classification: Uncertain significance for Inborn genetic diseases. Last evaluated: 2025-09-10. Review status: criteria provided, single submitter. Criteria: Ambry Variant Classification Scheme 2023. Collection method: clinical testing. Allele origin: germline.

Labcorp Genetics (formerly Invitae), Labcorp
Classification: Uncertain significance for Joubert syndrome; Meckel-Gruber syndrome. Last evaluated: 2024-01-22. Review status: criteria provided, single submitter. Criteria: Invitae Variant Classification Sherloc (09022015). Collection method: clinical testing. Allele origin: germline.
Comment: This sequence change replaces asparagine, which is neutral and polar, with tyrosine, which is neutral and polar, at codon 1315 of the CC2D2A protein (p.Asn1315Tyr). This variant is present in population databases (no rsID available, gnomAD 0.003%). This variant has not been reported in the literature in individuals affected with CC2D2A-related conditions. ClinVar contains an entry for this variant (Variation ID: 2143867). Advanced modeling of protein sequence and biophysical properties (such as structural, functional, and spatial information, amino acid conservation, physicochemical variation, residue mobility, and thermodynamic stability) has been performed at Invitae for this missense variant, however the output from this modeling did not meet the statistical confidence thresholds required to predict the impact of this variant on CC2D2A protein function. In summary, the available evidence is currently insufficient to determine the role of this variant in disease. Therefore, it has been classified as a Variant of Uncertain Significance.